The following is an entry in ClinVar:

ClinVar aggregate classification (germline): Uncertain significance (1 of 4 stars; one submission).

Submission:

CeGaT Center for Human Genetics Tuebingen
Classification: Uncertain significance. Last evaluated: 2026-09-01. Review status: criteria provided, single submitter. Criteria: CeGaT Center For Human Genetics Tuebingen Variant Classification Criteria Version 2. Collection method: clinical testing. Allele origin: germline. Affected: yes. Observed: 1 variant allele.
Comment: CDK19: PM2, BP4

NM_015076.5(CDK19):c.1438A>T (p.Thr480Ser)

Gene: CDK19 (cyclin dependent kinase 19; minus strand). Cytogenetic location: 6q21.
Variant type: single nucleotide variant.
Coding change: c.1438A>T on transcript NM_015076.5 (MANE Select); coding-DNA position 1438, A replaced by T.
Protein change: p.Thr480Ser; replaces threonine 480 with serine.
Molecular consequence: missense variant.
Genome position (GRCh38, 1-based): chr6:110,614,606, T>A on the plus strand (A>T on the coding strand, the complement: CDK19 is on the minus strand). VCF-style: chr6-110614606-T-A. GRCh37 (hg19) VCF-style: chr6-110935809-T-A.
Other names: c.1306A>T, p.Thr436Ser (NM_001300960.2); c.1258A>T, p.Thr420Ser (NM_001300963.2, NM_001300964.2); short protein forms T420S, T436S, T480S.
Identifiers: ClinVar variation 5041706 (VCV005041706.1).